The following is an entry in ClinVar:

NM_001184.4(ATR):c.390A>T (p.Leu130Phe)

Gene: ATR (ATR checkpoint kinase; minus strand). Cytogenetic location: 3q23.
Variant type: single nucleotide variant.
Coding change: c.390A>T on transcript NM_001184.4 (MANE Select); coding-DNA position 390, A replaced by T.
Protein change: p.Leu130Phe; replaces leucine 130 with phenylalanine.
Molecular consequence: missense variant.
Genome position (GRCh38, 1-based): chr3:142,563,012, T>A on the plus strand (A>T on the coding strand, the complement: ATR is on the minus strand). VCF-style: chr3-142563012-T-A. GRCh37 (hg19) VCF-style: chr3-142281854-T-A.
Other names: c.390A>T, p.Leu130Phe (NM_001354579.2); short protein forms L130F.
Identifiers: ClinVar variation 1503402 (VCV001503402.8), dbSNP rs2108488701, ClinGen allele CA354827171.

ClinVar aggregate classification (germline): Uncertain significance. Review status: criteria provided, multiple submitters, no conflicts (2 of 4 stars). 4 submissions from 3 submitters: Uncertain significance (4). Last evaluated 2023-02-08.

Conditions:
Seckel syndrome 1 (SCKL1). Also called: MICROCEPHALIC PRIMORDIAL DWARFISM I. Identifiers: Orphanet 808, MedGen C4551474, MONDO:0008869, OMIM 210600.
Inborn genetic diseases. Identifiers: MedGen C0950123, MeSH D030342.
Familial cutaneous telangiectasia and oropharyngeal predisposition cancer syndrome. Identifiers: Orphanet 313846, MedGen C3281203, MONDO:0013806, OMIM 614564.

Submissions (4):

Genome-Nilou Lab
Classification: Uncertain significance for Seckel syndrome 1. Last evaluated: 2023-02-08. Review status: criteria provided, single submitter. Criteria: ACMG Guidelines, 2015. Collection method: clinical testing. Allele origin: germline.

Genome-Nilou Lab
Classification: Uncertain significance for Familial cutaneous telangiectasia and oropharyngeal predisposition cancer syndrome. Last evaluated: 2023-02-08. Review status: criteria provided, single submitter. Criteria: ACMG Guidelines, 2015. Collection method: clinical testing. Allele origin: germline.

Ambry Genetics
Classification: Uncertain significance for Inborn genetic diseases. Last evaluated: 2022-05-25. Review status: criteria provided, single submitter. Criteria: Ambry Variant Classification Scheme 2023. Collection method: clinical testing. Allele origin: germline.
Comment: The p.L130F variant (also known as c.390A>T), located in coding exon 4 of the ATR gene, results from an A to T substitution at nucleotide position 390. The leucine at codon 130 is replaced by phenylalanine, an amino acid with highly similar properties. This amino acid position is conserved. In addition, this alteration is predicted to be deleterious by in silico analysis. Since supporting evidence is limited at this time, the clinical significance of this alteration remains unclear.

Labcorp Genetics (formerly Invitae), Labcorp
Classification: Uncertain significance. Last evaluated: 2021-11-13. Review status: criteria provided, single submitter. Criteria: Invitae Variant Classification Sherloc (09022015). Collection method: clinical testing. Allele origin: germline.
Comment: In summary, the available evidence is currently insufficient to determine the role of this variant in disease. Therefore, it has been classified as a Variant of Uncertain Significance. Algorithms developed to predict the effect of missense changes on protein structure and function are either unavailable or do not agree on the potential impact of this missense change (SIFT: "Tolerated"; PolyPhen-2: "Probably Damaging"; Align-GVGD: "Class C0"). This variant has not been reported in the literature in individuals affected with ATR-related conditions. This variant is not present in population databases (gnomAD no frequency). This sequence change replaces leucine, which is neutral and non-polar, with phenylalanine, which is neutral and non-polar, at codon 130 of the ATR protein (p.Leu130Phe).